The following is an entry in ClinVar:

ClinVar aggregate classification (germline): Likely benign (1 of 4 stars; one submission).

Conditions:
Hyper-IgE recurrent infection syndrome 1, autosomal dominant. Also called: HYPER-IgE SYNDROME 1, AUTOSOMAL DOMINANT, WITH RECURRENT INFECTIONS; Job's Syndrome; JOB SYNDROME; STAT3 Hyper IgE Syndrome; Hyper-IgE recurrent infection syndrome 1. Identifiers: Orphanet 2314, MedGen C2936739, MONDO:0007818, OMIM 147060.

Allele frequency attached by ClinVar (database versions not stated): TOPMed 0.00006; ESP Exome Variant Server 0.00008; 1000 Genomes Project 30x 0.00016; 1000 Genomes Project 0.00020.
gnomAD v4.1: 70 of 1,606,622 alleles (0.0044%); highest among the groups gnomAD compares: East Asian, 0.087%; no homozygotes.

Submission:

Illumina Laboratory Services, Illumina
Classification: Likely benign for Hyper-IgE recurrent infection syndrome 1, autosomal dominant. Last evaluated: 2018-01-12. Review status: criteria provided, single submitter. Criteria: ICSL Variant Classification Criteria 13 December 2019. Collection method: clinical testing. Allele origin: germline.
Comment: This variant was observed in the ICSL laboratory as part of a predisposition screen in an ostensibly healthy population. It had not been previously curated by ICSL or reported in the Human Gene Mutation Database (HGMD: prior to June 1st, 2018), and was therefore a candidate for classification through an automated scoring system. Utilizing variant allele frequency, disease prevalence and penetrance estimates, and inheritance mode, an automated score was calculated to assess if this variant is too frequent to cause the disease. Based on the score and internal cut-off values, a variant classified as likely benign is not then subjected to further curation. The score for this variant resulted in a classification of likely benign for this disease.

NM_139276.3(STAT3):c.*31C>T

Gene: STAT3 (signal transducer and activator of transcription 3; minus strand). Cytogenetic location: 17q21.2.
Variant type: single nucleotide variant.
Coding change: c.*31C>T on transcript NM_139276.3 (MANE Select); 31 bases downstream of the stop codon, C replaced by T.
Molecular consequence: 3 prime UTR variant.
Genome position (GRCh38, 1-based): chr17:42,315,714, G>A on the plus strand (C>T on the coding strand, the complement: STAT3 is on the minus strand). VCF-style: chr17-42315714-G-A. GRCh37 (hg19) VCF-style: chr17-40467732-G-A.
Other names: c.*31C>T (NM_001369512.1, NM_001369513.1, NM_001369514.1 and 2 more transcripts); c.*125C>T (NM_001369517.1, NM_001369518.1, NM_001369519.1 and 2 more transcripts).
Identifiers: ClinVar variation 889638 (VCV000889638.4), dbSNP rs374107124, ClinGen allele CA8575079.